The following is an entry in ClinVar:

NM_173543.3(DZIP1L):c.952C>T (p.Arg318Trp)

Gene: DZIP1L (DAZ interacting zinc finger protein 1 like; minus strand). Cytogenetic location: 3q22.3.
Variant type: single nucleotide variant.
Coding change: c.952C>T on transcript NM_173543.3 (MANE Select); coding-DNA position 952, C replaced by T.
Protein change: p.Arg318Trp; replaces arginine 318 with tryptophan.
Molecular consequence: missense variant.
Genome position (GRCh38, 1-based): chr3:138,088,426, G>A on the plus strand (C>T on the coding strand, the complement: DZIP1L is on the minus strand). VCF-style: chr3-138088426-G-A. GRCh37 (hg19) VCF-style: chr3-137807268-G-A.
Other names: c.952C>T, p.Arg318Trp (NM_001170538.1); short protein forms R318W.
Identifiers: ClinVar variation 4978805 (VCV004978805.1).

ClinVar aggregate classification (germline): Uncertain significance (1 of 4 stars; one submission).

Conditions:
DZIP1L-related disorder. Also called: DZIP1L-related condition.

gnomAD v4.1: 107 of 1,613,542 alleles (0.0066%); highest among the groups gnomAD compares: Admixed American, 0.095%; no homozygotes.

Submission:

PreventionGenetics, part of Exact Sciences
Classification: Uncertain significance for DZIP1L-related condition. Last evaluated: 2025-08-14. Review status: criteria provided, single submitter. Criteria: ACMG Guidelines, 2015. Collection method: clinical testing. Allele origin: germline.
Comment: The DZIP1L c.952C>T variant is predicted to result in the amino acid substitution p.Arg318Trp. To our knowledge, this variant has not been reported in the literature. This variant is reported in 0.14% of alleles in individuals of Latino descent in gnomAD, which is likely too common to be an undocumented cause of disease. Although we suspect that this variant may be benign, at this time, the clinical significance of this variant is uncertain due to the absence of conclusive functional and genetic evidence.